The following is an entry in ClinVar:

NM_003239.5(TGFB3):c.109A>T (p.Lys37Ter)

Gene: TGFB3 (transforming growth factor beta 3; minus strand). Cytogenetic location: 14q24.3.
Variant type: single nucleotide variant.
Coding change: c.109A>T on transcript NM_003239.5 (MANE Select); coding-DNA position 109, A replaced by T.
Protein change: p.Lys37Ter; replaces lysine 37 with a stop codon.
Molecular consequence: nonsense.
Genome position (GRCh38, 1-based): chr14:75,980,785, T>A on the plus strand (A>T on the coding strand, the complement: TGFB3 is on the minus strand). VCF-style: chr14-75980785-T-A. GRCh37 (hg19) VCF-style: chr14-76447128-T-A.
Other names: c.109A>T, p.Lys37Ter (NM_001329938.2, NM_001329939.2); short protein forms K37*.
Identifiers: ClinVar variation 862476 (VCV000862476.10), dbSNP rs2035418540, ClinGen allele CA390471639.
Genomic context (GRCh38, chr14:75,980,785, plus strand): 5'-GGGGGCTGGTGAGCCTGAGCTTGCTCAAGATCTGTCCCCTAATGGCTTCCACCCTCTTCT[T>A]CTTGATGTGGCCGAAGTCCAAGGTGGTGCAAGTGGACAGAGAGAGGCTGACCGTGGCAAA-3'

ClinVar aggregate classification (germline): Pathogenic/Likely pathogenic. Review status: criteria provided, multiple submitters, no conflicts (2 of 4 stars). 2 submissions from 2 submitters: Pathogenic (1); Likely pathogenic (1). Last evaluated 2022-09-01.

Conditions:
Rienhoff syndrome. Also called: LOEYS-DIETZ SYNDROME 5. Identifiers: MedGen C3810012, MONDO:0014262, OMIM 615582.
Familial thoracic aortic aneurysm and aortic dissection (TAAD). Also called: Thoracic aortic aneurysms and dissections. Identifiers: Orphanet 91387, MedGen C4707243, MONDO:0019625.

Submissions (2):

Labcorp Genetics (formerly Invitae), Labcorp
Classification: Pathogenic for Rienhoff syndrome. Last evaluated: 2022-09-01. Review status: criteria provided, single submitter. Criteria: Invitae Variant Classification Sherloc (09022015). Collection method: clinical testing. Allele origin: germline.
Comment: This variant has not been reported in the literature in individuals affected with TGFB3-related conditions. This variant is not present in population databases (gnomAD no frequency). This sequence change creates a premature translational stop signal (p.Lys37*) in the TGFB3 gene. It is expected to result in an absent or disrupted protein product. Loss-of-function variants in TGFB3 are known to be pathogenic (PMID: 25835445, 26188975). ClinVar contains an entry for this variant (Variation ID: 862476). For these reasons, this variant has been classified as Pathogenic.

Ambry Genetics
Classification: Likely pathogenic for Familial thoracic aortic aneurysm and aortic dissection. Last evaluated: 2021-02-24. Review status: criteria provided, single submitter. Criteria: Ambry Variant Classification Scheme 2023. Collection method: clinical testing. Allele origin: germline.
Comment: The p.K37* variant (also known as c.109A>T), located in coding exon 1 of the TGFB3 gene, results from an A to T substitution at nucleotide position 109. This changes the amino acid from a lysine to a stop codon within coding exon 1. The predicted stop codon occurs within the first 150 nucleotides of theTGFB3 gene. This alteration may escape nonsense-mediated mRNAdecay and/or be rescued by re-initiation (Rivas et al. Science. 2015 May 8;348(6235):666-9; Lindeboom et al. Nat Genet. 2016 Oct;48(10):1112-8; Rhee et al. Sci Rep. 2017 May 10;7(1):1653). However, the impacted region is critical for protein function and alterations resulting in haploinsufficiency have been reported in patients with features consistent with manifestations of Loeys-Dietz syndrome (Schepers D et al. Hum Mutat. 2018;39(5):621-634; Ambry internal data). Based on the majority of available evidence to date, this variant is likely to be pathogenic.

Literature cited by the submitters: PubMed 25835445 (cited by Labcorp Genetics (formerly Invitae), Labcorp and Ambry Genetics); PubMed 26188975 (cited by Labcorp Genetics (formerly Invitae), Labcorp); PubMed 29392890 (cited by Ambry Genetics).